The following is an entry in ClinVar:

NM_015443.4(KANSL1):c.95G>A (p.Gly32Asp)

Gene: KANSL1 (KAT8 regulatory NSL complex subunit 1). Cytogenetic location: 17q21.31.
Variant type: single nucleotide variant.
Coding change: c.95G>A on transcript NM_015443.4 (MANE Select); coding-DNA position 95, G replaced by A.
Protein change: p.Gly32Asp; replaces glycine 32 with aspartic acid.
Molecular consequence: missense variant. On other transcripts: intron variant (4).
Genome position (GRCh38, 1-based): chr17:46,172,049, C>T on the plus strand (G>A on the coding strand, the complement: KANSL1 is on the minus strand). VCF-style: chr17-46172049-C-T. GRCh37 (hg19) VCF-style: chr17-44249415-C-T.
Other names: c.95G>A, p.Gly32Asp (NM_001405858.1, NM_001405859.1, NM_001405860.1 and 18 more transcripts); c.23+51622G>A (NM_001405885.1, NM_001405884.1, NM_001405883.1 and 1 more transcripts); short protein forms G32D.
Identifiers: ClinVar variation 4536972 (VCV004536972.1).

ClinVar aggregate classification (germline): Uncertain significance (1 of 4 stars; one submission).

Submission:

Women's Health and Genetics/Laboratory Corporation of America, LabCorp
Classification: Uncertain significance. Last evaluated: 2025-11-07. Review status: criteria provided, single submitter. Criteria: LabCorp Variant Classification Summary - May 2015. Collection method: clinical testing. Allele origin: germline.
Comment: Variant summary: KANSL1 c.95G>A (p.Gly32Asp) results in a non-conservative amino acid change in the encoded protein sequence. Algorithms developed to predict the effect of missense changes on protein structure and function are either unavailable or do not agree on the potential impact of this missense change. The variant was absent in 251436 control chromosomes. The available data on variant occurrences in the general population are insufficient to allow any conclusion about variant significance. To our knowledge, no occurrence of c.95G>A in individuals affected with KANSL1-related conditions and no experimental evidence demonstrating its impact on protein function have been reported. No submitters have cited clinical-significance assessments for this variant to ClinVar. Based on the evidence outlined above, the variant was classified as uncertain significance.